The following is an entry in ClinVar:

ClinVar aggregate classification (germline): Pathogenic (1 of 4 stars; one submission).

Conditions:
Inborn genetic diseases. Identifiers: MedGen C0950123, MeSH D030342.

Submission:

Ambry Genetics
Classification: Pathogenic for Inborn genetic diseases. Last evaluated: 2025-10-31. Review status: criteria provided, single submitter. Criteria: Ambry Variant Classification Scheme 2023. Collection method: clinical testing. Allele origin: germline.
Comment: The c.1202dupG (p.F402Lfs*133) alteration, located in exon 1 (coding exon 1) of the ARID1B gene, consists of a duplication of G at position 1202, causing a translational frameshift with a predicted alternate stop codon after 133 amino acids. This alteration is expected to result in loss of function by premature protein truncation or nonsense-mediated mRNA decay. This variant was not reported in population-based cohorts in the Genome Aggregation Database (gnomAD). This variant was determined to be de novo in at least one individual with features consistent with ARID1B-related Coffin-Siris syndrome (Squeo, 2020; Kosaki, 2020). Based on the available evidence, this alteration is classified as pathogenic.

Literature cited by the submitters: PubMed 32170002; PubMed 32369273.

NM_020732.3:c.1202dupG

Gene: ARID1B (AT-rich interaction domain 1B; plus strand).
Variant type: Duplication.
Other names: c.1202dupG (NM_020732.3).
Identifiers: ClinVar variation 4584841 (VCV004584841.1).